The following is an entry in ClinVar:

ClinVar aggregate classification (germline): Conflicting classifications of pathogenicity. Review status: criteria provided, conflicting classifications (1 of 4 stars). 7 submissions from 7 submitters: Uncertain significance (6); Likely benign (1). Last evaluated 2025-07-02.

Conditions:
Cardiovascular phenotype. Identifiers: MedGen CN230736.
Cardiac arrhythmia. Also called: Cardiac rhythm disease; Arrhythmia. Identifiers: MedGen C0003811, MONDO:0007263, HP:0011675.
Long QT syndrome (LQTS). Identifiers: MedGen C0023976, MeSH D008133, MONDO:0002442. Disease mechanism: loss of function. Inheritance: Various modes of inheritance.
Long QT syndrome 2 (LQT2). Identifiers: Orphanet 101016, Orphanet 768, MedGen C3150943, MONDO:0013367, OMIM 613688.
Short QT syndrome type 1. Identifiers: Orphanet 51083, MedGen C1865020, MONDO:0012312, OMIM 609620.

Allele frequency attached by ClinVar (database versions not stated): gnomAD exomes below 0.00001 and 0.00001; TOPMed below 0.00001.
gnomAD v4.1: 7 of 1,614,088 alleles (0.00043%); highest among the groups gnomAD compares: Admixed American, 0.0033%; no homozygotes.

Submissions (7):

Ambry Genetics
Classification: Uncertain significance for Cardiovascular phenotype. Last evaluated: 2025-07-02. Review status: criteria provided, single submitter. Criteria: Ambry Variant Classification Scheme 2023. Collection method: clinical testing. Allele origin: germline.
Comment: The c.2592+3G>A intronic variant results from a G to A substitution 3 nucleotides after coding exon 10 in the KCNH2 gene. This nucleotide position is not well conserved in available vertebrate species. In silico splice site analysis predicts that this alteration will not have any significant effect on splicing. Based on the available evidence, the clinical significance of this variant remains unclear.

Labcorp Genetics (formerly Invitae), Labcorp
Classification: Uncertain significance for Long QT syndrome. Last evaluated: 2025-05-06. Review status: criteria provided, single submitter. Criteria: Invitae Variant Classification Sherloc (09022015). Collection method: clinical testing. Allele origin: germline.
Comment: This sequence change falls in intron 10 of the KCNH2 gene. It does not directly change the encoded amino acid sequence of the KCNH2 protein. It affects a nucleotide within the consensus splice site. This variant is present in population databases (no rsID available, gnomAD 0.003%). This variant has been observed in individual(s) with clinical features of KCNH2-related conditions (PMID: 15840476). ClinVar contains an entry for this variant (Variation ID: 402998). Variants that disrupt the consensus splice site are a relatively common cause of aberrant splicing (PMID: 17576681, 9536098). Algorithms developed to predict the effect of sequence changes on RNA splicing suggest that this variant is not likely to affect RNA splicing. In summary, the available evidence is currently insufficient to determine the role of this variant in disease. Therefore, it has been classified as a Variant of Uncertain Significance.

Blueprint Genetics
Classification: Uncertain significance. Last evaluated: 2024-09-06. Review status: criteria provided, single submitter. Criteria: ACMG Guidelines, 2015. Collection method: clinical testing. Allele origin: germline.

New York Genome Center
Classification: Uncertain significance for Short QT syndrome type 1. Last evaluated: 2021-02-09. Review status: criteria provided, single submitter. Criteria: NYGC Assertion Criteria 2020. Collection method: clinical testing. Allele origin: germline. Observed: 1 heterozygote.
Comment: The c.2592+3G>A variant identified in the KCNH2 gene is a single nucleotide variant at the non-canonical +3 position within intron 10/14. This variant is absent from gnomAD(v3.1) suggesting it is not a common benign variant in the populations represented in that database. In silico algorithm SpliceAI does not suggest this variant to alter splicing (score:0.00). The c.2592+3G>A variant is reported in ClinVar (VarID:402998) as a Variant of Uncertain Significance by two labs and Likely Benign by a single lab with no evidence for that classification. This variant has been reported in the literature in two individuals, one with Left Ventricular Noncompaction [PMID:30471092], and one with suspected Long QT syndrome [PMID:15840476], although the clinical significance was unclear in each case. Given the lack of compelling evidence for its pathogenicity, the c.2592+3G>A variant identified in the KCNH2 gene is reported as a Variant of Uncertain Significance.

Color Diagnostics, LLC DBA Color Health
Classification: Likely benign for Arrhythmia. Last evaluated: 2019-03-24. Review status: criteria provided, single submitter. Criteria: ACMG Guidelines, 2015. Collection method: clinical testing. Allele origin: germline.

Laboratory for Molecular Medicine, Mass General Brigham Personalized Medicine
Classification: Uncertain significance. Last evaluated: 2016-10-20. Review status: criteria provided, single submitter. Criteria: LMM Criteria. Collection method: clinical testing. Allele origin: germline.
Comment: Variant identified in a genome or exome case(s) and assessed due to predicted null impact of the variant or pathogenic assertions in the literature or databases. Disclaimer: This variant has not undergone full assessment. The following are preliminary notes: No predicted impact to splicing, only reported in 1 LQT proband

Center for Genomics, Ann and Robert H. Lurie Children's Hospital of Chicago
Classification: Uncertain significance for Short QT syndrome type 1; Long QT syndrome 2. Review status: criteria provided, single submitter. Criteria: ACMG Guidelines, 2015. Collection method: clinical testing. Allele origin: germline.
Comment: KCNH2 NM_000238.3 exon 10 c.2592+3G>A: This variant has been reported in the literature in 1 individual with a clinical suspicion of Long QT syndrome (Tester 2005 PMID:15840476). This variant is present in 0.002% (1/34562) of Latino alleles in the Genome Aggregation Database. This variant is present in ClinVar (Variation ID:402998). Evolutionary conservation and computational predictive tools for this variant are limited or unavailable. This variant is an intronic variant; splice prediction tools suggest that this variant may not affect splicing. However, further studies are needed to understand its impact. In summary, data on this variant is insufficient for disease classification. Therefore, the clinical significance of this variant is uncertain.

Literature cited by the submitters: PubMed 15840476 (cited by Labcorp Genetics (formerly Invitae), Labcorp); PubMed 17576681 (cited by Labcorp Genetics (formerly Invitae), Labcorp); PubMed 9536098 (cited by Labcorp Genetics (formerly Invitae), Labcorp).

NM_000238.4(KCNH2):c.2592+3G>A

Gene: KCNH2 (potassium voltage-gated channel subfamily H member 2; minus strand). Cytogenetic location: 7q36.1.
Variant type: single nucleotide variant.
Coding change: c.2592+3G>A on transcript NM_000238.4 (MANE Select); 3 bases into the intron after coding-DNA position 2592, G replaced by A.
Molecular consequence: intron variant.
Genome position (GRCh38, 1-based): chr7:150,948,853, C>T on the plus strand (G>A on the coding strand, the complement: KCNH2 is on the minus strand). VCF-style: chr7-150948853-C-T. GRCh37 (hg19) VCF-style: chr7-150645941-C-T.
Other names: c.1572+3G>A (NM_172057.3).
Identifiers: ClinVar variation 402998 (VCV000402998.22), dbSNP rs906562788, ClinGen allele CA16609735.